The following is an entry in ClinVar:

ClinVar aggregate classification (germline): Uncertain significance. Review status: criteria provided, multiple submitters, no conflicts (2 of 4 stars). 3 submissions from 3 submitters: Uncertain significance (3). Last evaluated 2026-09-17.

Conditions:
Inborn genetic diseases. Identifiers: MedGen C0950123, MeSH D030342.
DLG3-related disorder. Also called: DLG3-related condition.

Allele frequency attached by ClinVar (database versions not stated): TOPMed 0.00001.

Submissions (3):

PreventionGenetics, part of Exact Sciences
Classification: Uncertain significance for DLG3-related condition. Last evaluated: 2026-09-17. Review status: criteria provided, single submitter. Criteria: ACMG Guidelines, 2015. Collection method: clinical testing. Allele origin: germline.
Comment: The DLG3 c.82C>A variant is predicted to result in the amino acid substitution p.Pro28Thr. To our knowledge, this variant has not been reported in the literature or in a large population database (gnomAD), indicating this variant is rare. At this time, the clinical significance of this variant is uncertain due to the absence of conclusive functional and genetic evidence.

Ambry Genetics
Classification: Uncertain significance for Inborn genetic diseases. Last evaluated: 2023-12-19. Review status: criteria provided, single submitter. Criteria: Ambry Variant Classification Scheme 2023. Collection method: clinical testing. Allele origin: germline.

Women's Health and Genetics/Laboratory Corporation of America, LabCorp
Classification: Uncertain significance. Last evaluated: 2023-11-17. Review status: criteria provided, single submitter. Criteria: LabCorp Variant Classification Summary - May 2015. Collection method: clinical testing. Allele origin: germline.
Comment: Variant summary: DLG3 c.82C>A (p.Pro28Thr) results in a non-conservative amino acid change in the encoded protein sequence. Four of five in-silico tools predict a damaging effect of the variant on protein function. The variant was absent in 101365 control chromosomes (gnomAD). The available data on variant occurrences in the general population are insufficient to allow any conclusion about variant significance. To our knowledge, no occurrence of c.82C>A in individuals affected with Intellectual Disability, X-Linked 90 and no experimental evidence demonstrating its impact on protein function have been reported. No submitters have reported clinical-significance assessments for this variant to ClinVar after 2014. Based on the evidence outlined above, the variant was classified as uncertain significance.

NM_021120.4(DLG3):c.82C>A (p.Pro28Thr)

Gene: DLG3 (discs large MAGUK scaffold protein 3; plus strand). Cytogenetic location: Xq13.1.
Variant type: single nucleotide variant.
Coding change: c.82C>A on transcript NM_021120.4 (MANE Select); coding-DNA position 82, C replaced by A.
Protein change: p.Pro28Thr; replaces proline 28 with threonine.
Molecular consequence: missense variant.
Genome position (GRCh38, 1-based): chrX:70,445,283, C>A. VCF-style: chrX-70445283-C-A. GRCh37 (hg19) VCF-style: chrX-69665133-C-A.
Other names: c.82C>A (NM_021120.3); short protein forms P28T.
Identifiers: ClinVar variation 2682617 (VCV002682617.3), dbSNP rs2041263825, ClinGen allele CA413490283.